The following is an entry in ClinVar:

ClinVar aggregate classification (germline): Uncertain significance (1 of 4 stars; one submission).

Conditions:
Episodic ataxia type 2 (EA2). Also called: ACETAZOLAMIDE-RESPONSIVE HEREDITARY PAROXYSMAL CEREBELLAR ATAXIA; ATAXIA, EPISODIC, WITH NYSTAGMUS; ATAXIA, FAMILIAL PAROXYSMAL; CEREBELLAR ATAXIA, PAROXYSMAL, ACETAZOLAMIDE-RESPONSIVE; CEREBELLOPATHY, HEREDITARY PAROXYSMAL; EPISODIC ATAXIA, NYSTAGMUS-ASSOCIATED. Identifiers: Orphanet 97, MedGen C1720416, MONDO:0007163, OMIM 108500.
Developmental and epileptic encephalopathy, 42 (DEE42A). Also called: Epileptic encephalopathy, early infantile, 42; DEVELOPMENTAL AND EPILEPTIC ENCEPHALOPATHY 42A; EPILEPTIC ENCEPHALOPATHY, EARLY INFANTILE, 42A. Identifiers: MedGen C4310716, MONDO:0014917, OMIM 617106.

Submission:

Labcorp Genetics (formerly Invitae), Labcorp
Classification: Uncertain significance for Developmental and epileptic encephalopathy, 42; Episodic ataxia type 2. Last evaluated: 2025-02-14. Review status: criteria provided, single submitter. Criteria: Invitae Variant Classification Sherloc (09022015). Collection method: clinical testing. Allele origin: germline.
Comment: This sequence change replaces lysine, which is basic and polar, with arginine, which is basic and polar, at codon 49 of the CACNA1A protein (p.Lys49Arg). This variant is not present in population databases (gnomAD no frequency). This variant has not been reported in the literature in individuals affected with CACNA1A-related conditions. Invitae Evidence Modeling of protein sequence and biophysical properties (such as structural, functional, and spatial information, amino acid conservation, physicochemical variation, residue mobility, and thermodynamic stability) indicates that this missense variant is expected to disrupt CACNA1A protein function with a positive predictive value of 95%. In summary, the available evidence is currently insufficient to determine the role of this variant in disease. Therefore, it has been classified as a Variant of Uncertain Significance.

NM_001127222.2(CACNA1A):c.146A>G (p.Lys49Arg)

Gene: CACNA1A (calcium voltage-gated channel subunit alpha1 A; minus strand). Cytogenetic location: 19p13.13.
Variant type: single nucleotide variant.
Coding change: c.146A>G on transcript NM_001127222.2 (MANE Select); coding-DNA position 146, A replaced by G.
Protein change: p.Lys49Arg; replaces lysine 49 with arginine.
Molecular consequence: missense variant.
Genome position (GRCh38, 1-based): chr19:13,506,079, T>C on the plus strand (A>G on the coding strand, the complement: CACNA1A is on the minus strand). VCF-style: chr19-13506079-T-C. GRCh37 (hg19) VCF-style: chr19-13616893-T-C.
Other names: c.146A>G, p.Lys49Arg (NM_000068.4, NM_001127221.2, NM_001174080.2 and 1 more transcripts); short protein forms K49R.
Identifiers: ClinVar variation 4789737 (VCV004789737.1).